The following is an entry in ClinVar:

NM_177438.3(DICER1):c.4961A>T (p.Asp1654Val)

Gene: DICER1 (dicer 1, ribonuclease III; minus strand). Cytogenetic location: 14q32.13.
Variant type: single nucleotide variant.
Coding change: c.4961A>T on transcript NM_177438.3 (MANE Select); coding-DNA position 4961, A replaced by T.
Protein change: p.Asp1654Val; replaces aspartic acid 1654 with valine.
Molecular consequence: missense variant.
Genome position (GRCh38, 1-based): chr14:95,095,959, T>A on the plus strand (A>T on the coding strand, the complement: DICER1 is on the minus strand). VCF-style: chr14-95095959-T-A. GRCh37 (hg19) VCF-style: chr14-95562296-T-A.
Other names: c.4961A>T, p.Asp1654Val (NM_001195573.1, NM_001271282.3, NM_001291628.2 and 1 more transcripts); short protein forms D1654V.
Identifiers: ClinVar variation 649371 (VCV000649371.12), dbSNP rs1595338147, ClinGen allele CA390866217.

ClinVar aggregate classification (germline): Uncertain significance (1 of 4 stars; one submission).

Conditions:
DICER1-related tumor predisposition. Also called: DICER1-related pleuropulmonary blastoma cancer predisposition syndrome; DICER1 syndrome. Identifiers: Orphanet 284343, MedGen C3839822, MONDO:0100216.

Submission:

Labcorp Genetics (formerly Invitae), Labcorp
Classification: Uncertain significance for DICER1-related tumor predisposition. Last evaluated: 2025-07-07. Review status: criteria provided, single submitter. Criteria: Invitae Variant Classification Sherloc (09022015). Collection method: clinical testing. Allele origin: germline.
Comment: This sequence change replaces aspartic acid, which is acidic and polar, with valine, which is neutral and non-polar, at codon 1654 of the DICER1 protein (p.Asp1654Val). This variant is not present in population databases (gnomAD no frequency). This variant has not been reported in the literature in individuals affected with DICER1-related conditions. ClinVar contains an entry for this variant (Variation ID: 649371). Invitae Evidence Modeling of protein sequence and biophysical properties (such as structural, functional, and spatial information, amino acid conservation, physicochemical variation, residue mobility, and thermodynamic stability) indicates that this missense variant is not expected to disrupt DICER1 protein function with a negative predictive value of 95%. In summary, the available evidence is currently insufficient to determine the role of this variant in disease. Therefore, it has been classified as a Variant of Uncertain Significance.